The following is an entry in ClinVar:

ClinVar aggregate classification (germline): Conflicting classifications of pathogenicity. Review status: criteria provided, conflicting classifications (1 of 4 stars). 3 submissions from 3 submitters: Uncertain significance (1); Likely benign (1). 1 of the submissions does not count toward it. Last evaluated 2026-01-21.

Conditions:
LTBP3-related disorder. Also called: LTBP3-related condition.
Inborn genetic diseases. Identifiers: MedGen C0950123, MeSH D030342.
Brachyolmia-amelogenesis imperfecta syndrome. Also called: Tooth agenesis, selective, 6; Dental anomalies and short stature; PLATYSPONDYLY WITH AMELOGENESIS IMPERFECTA. Identifiers: Orphanet 2899, MedGen C1832594, MONDO:0011018, OMIM 601216. Disease mechanism: loss of function.

Allele frequency attached by ClinVar (database versions not stated): gnomAD exomes 0.00014; gnomAD 0.00041 and 0.00042; TOPMed 0.00042; 1000 Genomes Project 0.00060; 1000 Genomes Project 30x 0.00109.
gnomAD v4.1: 138 of 1,526,518 alleles (0.009%); highest among the groups gnomAD compares: African/African-American, 0.16%; no homozygotes.

Submissions (3):

Labcorp Genetics (formerly Invitae), Labcorp
Classification: Likely benign for Brachyolmia-amelogenesis imperfecta syndrome. Last evaluated: 2026-01-21. Review status: criteria provided, single submitter. Criteria: Invitae Variant Classification Sherloc (09022015). Collection method: clinical testing. Allele origin: germline.

Ambry Genetics
Classification: Uncertain significance for Inborn genetic diseases. Last evaluated: 2021-07-09. Review status: criteria provided, single submitter. Criteria: Ambry Variant Classification Scheme 2023. Collection method: clinical testing. Allele origin: germline.

PreventionGenetics, part of Exact Sciences
Classification: Likely benign for LTBP3-related condition. Last evaluated: 2024-03-29. Review status: no assertion criteria provided. Collection method: clinical testing. Allele origin: germline. Not counted in ClinVar's aggregate classification.
Comment: This variant is classified as likely benign based on ACMG/AMP sequence variant interpretation guidelines (Richards et al. 2015 PMID: 25741868, with internal and published modifications).

NM_001130144.3(LTBP3):c.3286C>G (p.Arg1096Gly)

Gene: LTBP3 (latent transforming growth factor beta binding protein 3; minus strand). Cytogenetic location: 11q13.1.
Variant type: single nucleotide variant.
Coding change: c.3286C>G on transcript NM_001130144.3 (MANE Select); coding-DNA position 3286, C replaced by G.
Protein change: p.Arg1096Gly; replaces arginine 1096 with glycine.
Molecular consequence: missense variant. On other transcripts: intron variant (2).
Genome position (GRCh38, 1-based): chr11:65,540,112, G>C on the plus strand (C>G on the coding strand, the complement: LTBP3 is on the minus strand). VCF-style: chr11-65540112-G-C. GRCh37 (hg19) VCF-style: chr11-65307583-G-C.
Other names: c.2893+133C>G (NM_001164266.1); c.3244+133C>G (NM_021070.4); short protein forms R1096G.
Identifiers: ClinVar variation 702111 (VCV000702111.13), dbSNP rs527555537, ClinGen allele CA224009085.